The following is an entry in ClinVar:

ClinVar aggregate classification (germline): Uncertain significance. Review status: criteria provided, multiple submitters, no conflicts (2 of 4 stars). 2 submissions from 2 submitters: Uncertain significance (2). Last evaluated 2024-04-29.

Conditions:
Cardiovascular phenotype. Identifiers: MedGen CN230736.

Submissions (2):

GeneDx
Classification: Uncertain significance. Last evaluated: 2024-04-29. Review status: criteria provided, single submitter. Criteria: GeneDx Variant Classification Process June 2021. Collection method: clinical testing. Allele origin: germline. Affected: yes.
Comment: Not observed at significant frequency in large population cohorts (gnomAD); In silico analysis supports that this missense variant has a deleterious effect on protein structure/function; Has not been previously published as pathogenic or benign to our knowledge

Ambry Genetics
Classification: Uncertain significance for Cardiovascular phenotype. Last evaluated: 2021-06-17. Review status: criteria provided, single submitter. Criteria: Ambry Variant Classification Scheme 2023. Collection method: clinical testing. Allele origin: germline.
Comment: The p.A1529G variant (also known as c.4586C>G), located in coding exon 26 of the SCN10A gene, results from a C to G substitution at nucleotide position 4586. The alanine at codon 1529 is replaced by glycine, an amino acid with similar properties. This amino acid position is well conserved in available vertebrate species. In addition, the in silico prediction for this alteration is inconclusive. Since supporting evidence is limited at this time, the clinical significance of this alteration remains unclear.

NM_006514.4(SCN10A):c.4586C>G (p.Ala1529Gly)

Gene: SCN10A (sodium voltage-gated channel alpha subunit 10; minus strand). Cytogenetic location: 3p22.2.
Variant type: single nucleotide variant.
Coding change: c.4586C>G on transcript NM_006514.4 (MANE Select); coding-DNA position 4586, C replaced by G.
Protein change: p.Ala1529Gly; replaces alanine 1529 with glycine.
Molecular consequence: missense variant.
Genome position (GRCh38, 1-based): chr3:38,701,910, G>C on the plus strand (C>G on the coding strand, the complement: SCN10A is on the minus strand). VCF-style: chr3-38701910-G-C. GRCh37 (hg19) VCF-style: chr3-38743401-G-C.
Other names: c.4583C>G, p.Ala1528Gly (NM_001293306.2); c.4292C>G, p.Ala1431Gly (NM_001293307.2); short protein forms A1431G, A1529G, A1528G.
Identifiers: ClinVar variation 1741671 (VCV001741671.3), dbSNP rs2470564679, ClinGen allele CA352145913.